The following is an entry in ClinVar:

ClinVar aggregate classification (germline): Uncertain significance (1 of 4 stars; one submission).

Conditions:
Epileptic encephalopathy. Identifiers: MedGen C0543888, HP:0200134.

gnomAD v4.1: 2 of 1,612,654 alleles (0.00012%); highest among the groups gnomAD compares: Non-Finnish European, 0.00017%; no homozygotes.

Submission:

Labcorp Genetics (formerly Invitae), Labcorp
Classification: Uncertain significance for Epileptic encephalopathy. Last evaluated: 2025-05-28. Review status: criteria provided, single submitter. Criteria: Invitae Variant Classification Sherloc (09022015). Collection method: clinical testing. Allele origin: germline.
Comment: This sequence change replaces arginine, which is basic and polar, with serine, which is neutral and polar, at codon 1051 of the FASN protein (p.Arg1051Ser). This variant is not present in population databases (gnomAD no frequency). This variant has not been reported in the literature in individuals affected with FASN-related conditions. An algorithm developed to predict the effect of missense changes on protein structure and function (PolyPhen-2) suggests that this variant is likely to be disruptive. In summary, the available evidence is currently insufficient to determine the role of this variant in disease. Therefore, it has been classified as a Variant of Uncertain Significance.

NM_004104.5(FASN):c.3151C>A (p.Arg1051Ser)

Gene: FASN (fatty acid synthase; minus strand). Cytogenetic location: 17q25.3.
Variant type: single nucleotide variant.
Coding change: c.3151C>A on transcript NM_004104.5 (MANE Select); coding-DNA position 3151, C replaced by A.
Protein change: p.Arg1051Ser; replaces arginine 1051 with serine.
Molecular consequence: missense variant.
Genome position (GRCh38, 1-based): chr17:82,087,397, G>T on the plus strand (C>A on the coding strand, the complement: FASN is on the minus strand). VCF-style: chr17-82087397-G-T. GRCh37 (hg19) VCF-style: chr17-80045273-G-T.
Other names: short protein forms R1051S.
Identifiers: ClinVar variation 4772844 (VCV004772844.1).
Genomic context (GRCh38, chr17:82,087,397, plus strand): 5'-CCTGCAGTGTGTACAGCTTCTGCCTGTGGGTGGCAGGGTCGATGTGGATGGCGGTGACAC[G>T]GGTGGGCAGGTACAGGCCGTGCTTGGCCGAGCCCAGGATGGACATCTGCAGCATGGTGTC-3'
Protein context (NP_004095.4, residues 1041-1061): SAKHGLYLPT[Arg1051Ser]VTAIHIDPAT